The following is an entry in ClinVar:

ClinVar aggregate classification (germline): Likely benign. Review status: criteria provided, multiple submitters, no conflicts (2 of 4 stars). 2 submissions from 2 submitters: Likely benign (2). Last evaluated 2025-04-21.

Conditions:
PLXNA2-related disorder. Also called: PLXNA2-related condition.

Allele frequency attached by ClinVar (database versions not stated): gnomAD exomes 0.00002; ExAC 0.00003.
gnomAD v4.1: 10 of 1,614,220 alleles (0.00062%); highest among the groups gnomAD compares: Admixed American, 0.017%; no homozygotes.

Submissions (2):

Labcorp Genetics (formerly Invitae), Labcorp
Classification: Likely benign. Last evaluated: 2025-04-21. Review status: criteria provided, single submitter. Criteria: Invitae Variant Classification Sherloc (09022015). Collection method: clinical testing. Allele origin: germline.

PreventionGenetics, part of Exact Sciences
Classification: Likely benign for PLXNA2-related condition. Last evaluated: 2025-01-28. Review status: criteria provided, single submitter. Criteria: ACMG Guidelines, 2015. Collection method: clinical testing. Allele origin: germline.
Comment: This variant is classified as likely benign based on ACMG/AMP sequence variant interpretation guidelines (Richards et al. 2015 PMID: 25741868, with internal and published modifications).

NM_025179.4(PLXNA2):c.4209T>C (p.Asp1403=)

Gene: PLXNA2 (plexin A2; minus strand). Cytogenetic location: 1q32.2.
Variant type: single nucleotide variant.
Coding change: c.4209T>C on transcript NM_025179.4 (MANE Select); coding-DNA position 4209, T replaced by C.
Protein change: p.Asp1403=; no amino-acid change (aspartic acid 1403 retained).
Molecular consequence: synonymous variant.
Genome position (GRCh38, 1-based): chr1:208,042,175, A>G on the plus strand (T>C on the coding strand, the complement: PLXNA2 is on the minus strand). VCF-style: chr1-208042175-A-G. GRCh37 (hg19) VCF-style: chr1-208215520-A-G.
Other names: c.4209T>C (NM_025179.3).
Identifiers: ClinVar variation 2969971 (VCV002969971.4), dbSNP rs776725273, ClinGen allele CA1372944.